The following is an entry in ClinVar:

ClinVar aggregate classification (germline): Pathogenic (1 of 4 stars; one submission).

Conditions:
Tuberous sclerosis 2 (TSC2). Identifiers: Orphanet 805, MedGen C1860707, MONDO:0013199, OMIM 613254.

Submission:

Division of Genomic Medicine, Department of Advanced Medicine, Medical Research Institute, Kanazawa Medical University
Classification: Pathogenic for Tuberous sclerosis 2. Last evaluated: 2022-08-01. Review status: criteria provided, single submitter. Criteria: ACMG Guidelines, 2015. Collection method: clinical testing. Allele origin: germline. Affected: yes. Observed: 1 variant allele.
Comment: This one-base substitution activate a cryptic splice donor and causes TSC2 splicing abnormalities.

NM_000548.5(TSC2):c.600-124G>A

Gene: TSC2 (TSC complex subunit 2; plus strand). Cytogenetic location: 16p13.3.
Variant type: single nucleotide variant.
Coding change: c.600-124G>A on transcript NM_000548.5 (MANE Select); 124 bases into the intron before coding-DNA position 600, G replaced by A.
Molecular consequence: intron variant.
Genome position (GRCh38, 1-based): chr16:2,056,072, G>A. VCF-style: chr16-2056072-G-A. GRCh37 (hg19) VCF-style: chr16-2106073-G-A.
Other names: c.600-124G>A (NM_001114382.3, NM_021055.3, NM_001370405.1 and 3 more transcripts); c.489-124G>A (NM_001318827.2); c.-1-124G>A (NM_001318831.2); c.453-124G>A (NM_001318829.2); c.633-124G>A (NM_001318832.2).
Identifiers: ClinVar variation 1700636 (VCV001700636.2), dbSNP rs2151069014, ClinGen allele CA656219088.
Genomic context (GRCh38, chr16:2,056,072, plus strand): 5'-AACACCCAGCACCGAGAGCAGTGGCTGGCGCACAGCAGGCACCTGAGTGCTTGTTGGGTG[G>A]GTGGGACCCCCAGGGAGGATGAGCCATGCGTGTTATTGACGTCATAGAGTGACTAGACCA-3'